The following is an entry in ClinVar:

ClinVar aggregate classification (germline): Uncertain significance. Review status: criteria provided, multiple submitters, no conflicts (2 of 4 stars). 3 submissions from 3 submitters: Uncertain significance (3). Last evaluated 2025-10-29.

Conditions:
Familial cold autoinflammatory syndrome 3 (FCAS3). Also called: ANTIBODY DEFICIENCY AND IMMUNE DYSREGULATION, PLCG2-ASSOCIATED; FAMILIAL ATYPICAL COLD URTICARIA. Identifiers: Orphanet 300359, MedGen C3280914, MONDO:0013766, OMIM 614468.
Autoinflammation-PLCG2-associated antibody deficiency-immune dysregulation. Also called: Autoinflammation, antibody deficiency, and immune dysregulation, plcg2-associated; Autoinflammation, antibody deficiency, and immune dysregulation syndrome; AUTOINFLAMMATION, ANTIBODY DEFICIENCY, AND IMMUNE DYSREGULATION. Identifiers: Orphanet 324530, MedGen C3553961, MONDO:0013944, OMIM 614878.

Submissions (3):

Labcorp Genetics (formerly Invitae), Labcorp
Classification: Uncertain significance for Familial cold autoinflammatory syndrome 3. Last evaluated: 2025-10-29. Review status: criteria provided, single submitter. Criteria: Invitae Variant Classification Sherloc (09022015). Collection method: clinical testing. Allele origin: germline.
Comment: This variant, c.3291_3293del, results in the deletion of 1 amino acid(s) of the PLCG2 protein (p.Asn1097del), but otherwise preserves the integrity of the reading frame. The frequency data for this variant in the population databases is considered unreliable, as metrics indicate poor data quality at this position in the gnomAD database. This variant has been observed in individual(s) with clinical features of common variable immune deficiency (PMID: 37769878). It has also been observed to segregate with disease in related individuals. ClinVar contains an entry for this variant (Variation ID: 580512). Algorithms developed to predict the effect of variants on gene product structure and function are not available or were not evaluated for this variant. Experimental studies have shown that this variant affects PLCG2 function (PMID: 37769878). In summary, the available evidence is currently insufficient to determine the role of this variant in disease. Therefore, it has been classified as a Variant of Uncertain Significance.

Fulgent Genetics
Classification: Uncertain significance for Familial cold autoinflammatory syndrome 3; Autoinflammation-PLCG2-associated antibody deficiency-immune dysregulation. Last evaluated: 2021-12-06. Review status: criteria provided, single submitter. Criteria: ACMG Guidelines, 2015. Collection method: clinical testing. Allele origin: unknown.

Mayo Clinic Laboratories, Mayo Clinic
Classification: Uncertain significance. Last evaluated: 2021-10-04. Review status: criteria provided, single submitter. Criteria: ACMG Guidelines, 2015. Collection method: clinical testing. Allele origin: germline.

Literature cited by the submitters: PubMed 37769878 (cited by Labcorp Genetics (formerly Invitae), Labcorp).

NM_002661.5(PLCG2):c.3285CAA[2] (p.Asn1097del)

Gene: PLCG2 (phospholipase C gamma 2; plus strand). Cytogenetic location: 16q23.3.
Variant type: Microsatellite.
Coding change: c.3285CAA[2] on transcript NM_002661.5 (MANE Select); two copies in a row of the 3-base unit CAA starting at c.3285; the reference has three copies in a row; one copy, 3 bases deleted; also written c.3291_3293del.
Protein change: p.Asn1097del; deletes asparagine 1097.
Molecular consequence: inframe deletion.
Genome position (GRCh38, 1-based): chr16:81,938,893-81,938,895, CAA deleted; deleting any 3 consecutive bases within chr16:81,938,886-81,938,895 gives the same sequence; the position shown is the placement nearest the transcript's 3' end. VCF-style (leftmost placement, unchanged base first): chr16-81938885-GACA-G. GRCh37 (hg19) VCF-style: chr16-81972490-GACA-G.
Other names: p.Asn1097del; c.3291_3293del (NM_002661.5, NM_002661.4); short protein forms N1097del.
Identifiers: ClinVar variation 580512 (VCV000580512.15), dbSNP rs749338323, ClinGen allele CA8194657.